The following is an entry in ClinVar:

ClinVar aggregate classification (germline): Uncertain significance (1 of 4 stars; one submission).

Allele frequency attached by ClinVar (database versions not stated): gnomAD exomes below 0.00001; gnomAD 0.00001; TOPMed 0.00003; ESP Exome Variant Server 0.00008.
gnomAD v4.1: 1 of 1,614,034 alleles (0.000062%); highest among the groups gnomAD compares: African/African-American, 0.0013%; no homozygotes.

Submission:

Labcorp Genetics (formerly Invitae), Labcorp
Classification: Uncertain significance. Last evaluated: 2024-07-22. Review status: criteria provided, single submitter. Criteria: Invitae Variant Classification Sherloc (09022015). Collection method: clinical testing. Allele origin: germline.
Comment: This sequence change replaces isoleucine, which is neutral and non-polar, with methionine, which is neutral and non-polar, at codon 307 of the AP2M1 protein (p.Ile307Met). This variant is present in population databases (rs369968833, gnomAD 0.007%). This variant has not been reported in the literature in individuals affected with AP2M1-related conditions. ClinVar contains an entry for this variant (Variation ID: 1492269). An algorithm developed to predict the effect of missense changes on protein structure and function outputs the following: PolyPhen-2: "Benign". The methionine amino acid residue is found in multiple mammalian species, which suggests that this missense change does not adversely affect protein function. In summary, the available evidence is currently insufficient to determine the role of this variant in disease. Therefore, it has been classified as a Variant of Uncertain Significance.

NM_004068.4(AP2M1):c.921C>G (p.Ile307Met)

Gene: AP2M1 (adaptor related protein complex 2 subunit mu 1; plus strand). Cytogenetic location: 3q27.1.
Variant type: single nucleotide variant.
Coding change: c.921C>G on transcript NM_004068.4 (MANE Select); coding-DNA position 921, C replaced by G.
Protein change: p.Ile307Met; replaces isoleucine 307 with methionine.
Molecular consequence: missense variant.
Genome position (GRCh38, 1-based): chr3:184,182,005, C>G. VCF-style: chr3-184182005-C-G. GRCh37 (hg19) VCF-style: chr3-183899793-C-G.
Other names: c.915C>G, p.Ile305Met (NM_001025205.2); c.996C>G, p.Ile332Met (NM_001311198.2); short protein forms I332M, I305M, I307M.
Identifiers: ClinVar variation 1492269 (VCV001492269.8), dbSNP rs369968833, ClinGen allele CA88862805.